The following is an entry in ClinVar:

ClinVar aggregate classification (germline): Likely benign (1 of 4 stars; one submission).

Allele frequency attached by ClinVar (database versions not stated): gnomAD 0.00001; TOPMed 0.00001; gnomAD exomes 0.00002.
gnomAD v4.1: 27 of 1,610,936 alleles (0.0017%); highest among the groups gnomAD compares: Non-Finnish European, 0.0021%; no homozygotes.

Submission:

Women's Health and Genetics/Laboratory Corporation of America, LabCorp
Classification: Likely benign. Last evaluated: 2023-09-27. Review status: criteria provided, single submitter. Criteria: LabCorp Variant Classification Summary - May 2015. Collection method: clinical testing. Allele origin: germline.
Comment: Variant summary: SCNN1G c.1295-13C>T alters a non-conserved nucleotide located at a position not widely known to affect splicing. Consensus agreement among computation tools predict no significant impact on normal splicing. However, these predictions have yet to be confirmed by functional studies. The variant allele was found at a frequency of 1.6e-05 in 251266 control chromosomes (gnomAD). The available data on variant occurrences in the general population are insufficient to allow any conclusion about variant significance. To our knowledge, no occurrence of c.1295-13C>T in individuals affected with SCNN1G-Related Disorders and no experimental evidence demonstrating its impact on protein function have been reported. No submitters have cited clinical-significance assessments for this variant to ClinVar after 2014. Based on the evidence outlined above, the variant was classified as likely benign.

NM_001039.4(SCNN1G):c.1295-13C>T

Gene: SCNN1G (sodium channel epithelial 1 subunit gamma; plus strand). Cytogenetic location: 16p12.2.
Variant type: single nucleotide variant.
Coding change: c.1295-13C>T on transcript NM_001039.4 (MANE Select); 13 bases into the intron before coding-DNA position 1295, C replaced by T.
Molecular consequence: intron variant.
Genome position (GRCh38, 1-based): chr16:23,212,665, C>T. VCF-style: chr16-23212665-C-T. GRCh37 (hg19) VCF-style: chr16-23223986-C-T.
Identifiers: ClinVar variation 2627338 (VCV002627338.1), dbSNP rs1238725062, ClinGen allele CA621323028.